The following is an entry in ClinVar:

ClinVar aggregate classification (germline): Uncertain significance (1 of 4 stars; one submission).

Allele frequency attached by ClinVar (database versions not stated): TOPMed below 0.00001; gnomAD 0.00001.
gnomAD v4.1: 2 of 1,613,906 alleles (0.00012%); highest among the groups gnomAD compares: Non-Finnish European, 0.00017%; no homozygotes.

Submission:

Labcorp Genetics (formerly Invitae), Labcorp
Classification: Uncertain significance. Last evaluated: 2022-06-27. Review status: criteria provided, single submitter. Criteria: Invitae Variant Classification Sherloc (09022015). Collection method: clinical testing. Allele origin: germline.
Comment: In summary, the available evidence is currently insufficient to determine the role of this variant in disease. Therefore, it has been classified as a Variant of Uncertain Significance. Algorithms developed to predict the effect of missense changes on protein structure and function are either unavailable or do not agree on the potential impact of this missense change (SIFT: "Deleterious"; PolyPhen-2: "Probably Damaging"; Align-GVGD: "Class C0"). This variant has not been reported in the literature in individuals affected with DDR2-related conditions. This variant is not present in population databases (gnomAD no frequency). This sequence change replaces glycine, which is neutral and non-polar, with glutamic acid, which is acidic and polar, at codon 143 of the DDR2 protein (p.Gly143Glu).

NM_006182.4(DDR2):c.428G>A (p.Gly143Glu)

Gene: DDR2 (discoidin domain receptor tyrosine kinase 2; plus strand). Cytogenetic location: 1q23.3.
Variant type: single nucleotide variant.
Coding change: c.428G>A on transcript NM_006182.4 (MANE Select); coding-DNA position 428, G replaced by A.
Protein change: p.Gly143Glu; replaces glycine 143 with glutamic acid.
Molecular consequence: missense variant.
Genome position (GRCh38, 1-based): chr1:162,755,166, G>A. VCF-style: chr1-162755166-G-A. GRCh37 (hg19) VCF-style: chr1-162724956-G-A.
Other names: c.428G>A, p.Gly143Glu (NM_001014796.3, NM_001354982.2, NM_001354983.2); short protein forms G143E.
Identifiers: ClinVar variation 1374506 (VCV001374506.8), dbSNP rs1176971781, ClinGen allele CA343405728.